The following is an entry in ClinVar:

ClinVar aggregate classification (germline): Likely pathogenic (1 of 4 stars; one submission).

Conditions:
TNXB-related disorder. Also called: TNXB-related condition.

Submission:

PreventionGenetics, part of Exact Sciences
Classification: Likely pathogenic for TNXB-related condition. Last evaluated: 2023-06-07. Review status: criteria provided, single submitter. Criteria: ACMG Guidelines, 2015. Collection method: clinical testing. Allele origin: germline.
Comment: The TNXB c.9168dupC variant is predicted to result in a frameshift and premature protein termination (p.Ile3057Hisfs*30). To our knowledge, this variant has not been reported in the literature or in a large population database, indicating this variant is rare. Frameshift variants in TNXB are expected to be pathogenic. This variant is interpreted as likely pathogenic.

NM_001365276.2(TNXB):c.9174dup (p.Ile3059fs)

Gene: TNXB (tenascin XB; minus strand). Cytogenetic location: 6p21.33.
Variant type: Duplication.
Coding change: c.9174dup on transcript NM_001365276.2 (MANE Select); coding-DNA position 9174, one base duplicated (C; older notation c.9174dupC).
Protein change: p.Ile3059fs; shifts the reading frame from isoleucine 3059.
Molecular consequence: frameshift variant.
Genome position (GRCh38, 1-based): chr6:32,050,263, G duplicated on the plus strand (C on the coding strand, the reverse complement: TNXB is on the minus strand); the first of 6 consecutive G bases (chr6:32,050,263-32,050,268); duplicating any one gives the same sequence. VCF-style (leftmost placement, unchanged base first): chr6-32050262-T-TG. GRCh37 (hg19) VCF-style: chr6-32018039-T-TG.
Other names: c.9168dup, p.Ile3057fs (NM_019105.8); short protein forms I3057fs, I3059fs.
Identifiers: ClinVar variation 2636559 (VCV002636559.1), dbSNP rs34629684, ClinGen allele CA136901313.